The following is an entry in ClinVar:

ClinVar aggregate classification (germline): Uncertain significance (1 of 4 stars; one submission).

Allele frequency attached by ClinVar (database versions not stated): TOPMed below 0.00001.
gnomAD v4.1: 1 of 1,614,108 alleles (0.000062%); highest among the groups gnomAD compares: Non-Finnish European, 0.000085%; no homozygotes.

Submission:

Labcorp Genetics (formerly Invitae), Labcorp
Classification: Uncertain significance. Last evaluated: 2020-03-02. Review status: criteria provided, single submitter. Criteria: Invitae Variant Classification Sherloc (09022015). Collection method: clinical testing. Allele origin: germline.
Comment: In summary, the available evidence is currently insufficient to determine the role of this variant in disease. Therefore, it has been classified as a Variant of Uncertain Significance. Algorithms developed to predict the effect of missense changes on protein structure and function output the following: SIFT: "Tolerated"; PolyPhen-2: "Benign"; Align-GVGD: "Class C0". The glutamic acid amino acid residue is found in multiple mammalian species, suggesting that this missense change does not adversely affect protein function. These predictions have not been confirmed by published functional studies and their clinical significance is uncertain. This variant has not been reported in the literature in individuals with RP1-related conditions. This variant is not present in population databases (ExAC no frequency). This sequence change replaces glycine with glutamic acid at codon 1140 of the RP1 protein (p.Gly1140Glu). The glycine residue is highly conserved and there is a moderate physicochemical difference between glycine and glutamic acid.

NM_006269.2(RP1):c.3419G>A (p.Gly1140Glu)

Gene: RP1 (RP1 axonemal microtubule associated; plus strand). Cytogenetic location: 8q12.1.
Variant type: single nucleotide variant.
Coding change: c.3419G>A on transcript NM_006269.2 (MANE Select); coding-DNA position 3419, G replaced by A.
Protein change: p.Gly1140Glu; replaces glycine 1140 with glutamic acid.
Molecular consequence: missense variant. On other transcripts: intron variant (1).
Genome position (GRCh38, 1-based): chr8:54,627,301, G>A. VCF-style: chr8-54627301-G-A. GRCh37 (hg19) VCF-style: chr8-55539861-G-A.
Other names: c.787+5013G>A (NM_001375654.1); short protein forms G1140E.
Identifiers: ClinVar variation 1017915 (VCV001017915.8), dbSNP rs1025535519, ClinGen allele CA177237619.